The following is an entry in ClinVar:

ClinVar aggregate classification (germline): Uncertain significance (1 of 4 stars; one submission).

Conditions:
Multiple endocrine neoplasia, type 2 (MEN2). Identifiers: Orphanet 653, MedGen C4048306, MONDO:0019003. Disease mechanism: gain of function.

Submission:

Labcorp Genetics (formerly Invitae), Labcorp
Classification: Uncertain significance for Multiple endocrine neoplasia, type 2. Last evaluated: 2018-04-17. Review status: criteria provided, single submitter. Criteria: Invitae Variant Classification Sherloc (09022015). Collection method: clinical testing. Allele origin: germline.
Comment: This variant is not present in population databases (ExAC no frequency). This sequence change replaces alanine with proline at codon 269 of the RET protein (p.Ala269Pro). The alanine residue is weakly conserved and there is a small physicochemical difference between alanine and proline. This variant has not been reported in the literature in individuals with RET-related disease. In summary, the available evidence is currently insufficient to determine the role of this variant in disease. Therefore, it has been classified as a Variant of Uncertain Significance. Algorithms developed to predict the effect of missense changes on protein structure and function output the following: SIFT: "Tolerated"; PolyPhen-2: "Benign"; Align-GVGD: "Class C0". The proline amino acid residue is found in multiple mammalian species, suggesting that this missense change does not adversely affect protein function. These predictions have not been confirmed by published functional studies and their clinical significance is uncertain.

NM_020975.6(RET):c.805G>C (p.Ala269Pro)

Gene: RET (ret proto-oncogene; plus strand). Cytogenetic location: 10q11.21.
Variant type: single nucleotide variant.
Coding change: c.805G>C on transcript NM_020975.6 (MANE Select); coding-DNA position 805, G replaced by C.
Protein change: p.Ala269Pro; replaces alanine 269 with proline.
Molecular consequence: missense variant.
Genome position (GRCh38, 1-based): chr10:43,105,131, G>C. VCF-style: chr10-43105131-G-C. GRCh37 (hg19) VCF-style: chr10-43600579-G-C.
Other names: c.805G>C, p.Ala269Pro (NM_000323.2, NM_001406743.1, NM_001406744.1 and 8 more transcripts); c.43G>C, p.Ala15Pro (NM_001355216.2); c.676G>C, p.Ala226Pro (NM_001406761.1, NM_001406762.1, NM_001406764.1 and 2 more transcripts); c.517G>C, p.Ala173Pro (NM_001406766.1, NM_001406767.1, NM_001406770.1); short protein forms A269P, A15P, A173P, A226P.
Identifiers: ClinVar variation 565969 (VCV000565969.9), dbSNP rs1564491376, ClinGen allele CA376545150.
Genomic context (GRCh38, chr10:43,105,131, plus strand): 5'-GCGCGCGAGGAGGTGGTGATGGTGCCCTTCCCGGTGACCGTGTACGACGAGGACGACTCG[G>C]CGCCCACCTTCCCCGCGGGCGTCGACACCGCCAGCGCCGTGGTGGAGTTCAAGCGGAAGG-3'
Protein context (NP_066124.1, residues 259-279): PVTVYDEDDS[Ala269Pro]PTFPAGVDTA